The following is an entry in ClinVar:

NM_002180.3(IGHMBP2):c.2359C>T (p.Pro787Ser)

Gene: IGHMBP2 (immunoglobulin mu DNA binding protein 2; plus strand). Cytogenetic location: 11q13.3.
Variant type: single nucleotide variant.
Coding change: c.2359C>T on transcript NM_002180.3 (MANE Select); coding-DNA position 2359, C replaced by T.
Protein change: p.Pro787Ser; replaces proline 787 with serine.
Molecular consequence: missense variant.
Genome position (GRCh38, 1-based): chr11:68,936,839, C>T. VCF-style: chr11-68936839-C-T. GRCh37 (hg19) VCF-style: chr11-68704307-C-T.
Other names: short protein forms P787S.
Identifiers: ClinVar variation 837288 (VCV000837288.6), dbSNP rs543060051, ClinGen allele CA6153888.

ClinVar aggregate classification (germline): Uncertain significance (1 of 4 stars; one submission).

Conditions:
Charcot-Marie-Tooth disease axonal type 2S. Also called: CHARCOT-MARIE-TOOTH NEUROPATHY, TYPE 2S; CHARCOT-MARIE-TOOTH DISEASE, AXONAL, AUTOSOMAL RECESSIVE, TYPE 2S. Identifiers: Orphanet 443073, MedGen C4015349, MONDO:0014511, OMIM 616155.
Autosomal recessive distal spinal muscular atrophy 1. Also called: SEVERE INFANTILE AXONAL NEUROPATHY WITH RESPIRATORY FAILURE; SPINAL MUSCULAR ATROPHY, DIAPHRAGMATIC; Spinal muscular atrophy with respiratory distress 1; NEURONOPATHY, DISTAL HEREDITARY MOTOR, HARDING TYPE VI; NEUROPATHY, DISTAL HEREDITARY MOTOR, AUTOSOMAL RECESSIVE 1; HMN VI. Identifiers: Orphanet 98920, MedGen C1858517, MONDO:0011436, OMIM 604320.

Allele frequency attached by ClinVar (database versions not stated): gnomAD 0.00001 and 0.00003; gnomAD exomes 0.00002 and 0.00005; TOPMed 0.00002; ExAC 0.00006; 1000 Genomes Project 0.00040; 1000 Genomes Project 30x 0.00047.
gnomAD v4.1: 30 of 1,613,508 alleles (0.0019%); highest among the groups gnomAD compares: Admixed American, 0.02%; no homozygotes.

Submission:

Labcorp Genetics (formerly Invitae), Labcorp
Classification: Uncertain significance for Autosomal recessive distal spinal muscular atrophy 1; Charcot-Marie-Tooth disease axonal type 2S. Last evaluated: 2022-05-27. Review status: criteria provided, single submitter. Criteria: Invitae Variant Classification Sherloc (09022015). Collection method: clinical testing. Allele origin: germline.
Comment: This sequence change replaces proline, which is neutral and non-polar, with serine, which is neutral and polar, at codon 787 of the IGHMBP2 protein (p.Pro787Ser). This variant is present in population databases (rs543060051, gnomAD 0.02%). This variant has not been reported in the literature in individuals affected with IGHMBP2-related conditions. ClinVar contains an entry for this variant (Variation ID: 837288). Advanced modeling of protein sequence and biophysical properties (such as structural, functional, and spatial information, amino acid conservation, physicochemical variation, residue mobility, and thermodynamic stability) performed at Invitae indicates that this missense variant is not expected to disrupt IGHMBP2 protein function. In summary, the available evidence is currently insufficient to determine the role of this variant in disease. Therefore, it has been classified as a Variant of Uncertain Significance.